The following is an entry in ClinVar:

NM_004415.4(DSP):c.4022G>T (p.Arg1341Leu)

Gene: DSP (desmoplakin; plus strand). Cytogenetic location: 6p24.3.
Variant type: single nucleotide variant.
Coding change: c.4022G>T on transcript NM_004415.4 (MANE Select); coding-DNA position 4022, G replaced by T.
Protein change: p.Arg1341Leu; replaces arginine 1341 with leucine.
Molecular consequence: missense variant. On other transcripts: intron variant (1).
Genome position (GRCh38, 1-based): chr6:7,580,212, G>T. VCF-style: chr6-7580212-G-T. GRCh37 (hg19) VCF-style: chr6-7580445-G-T.
Other names: c.4022G>T, p.Arg1341Leu (NM_001319034.2); c.3582+440G>T (NM_001008844.3); short protein forms R1341L.
Identifiers: ClinVar variation 2775303 (VCV002775303.5), dbSNP rs112242645, ClinGen allele CA362685372.

ClinVar aggregate classification (germline): Uncertain significance. Review status: criteria provided, multiple submitters, no conflicts (2 of 4 stars). 3 submissions from 3 submitters: Uncertain significance (3). Last evaluated 2025-02-11.

Conditions:
Cardiomyopathy (CMYO). Also called: Cardiomyopathies. Identifiers: Orphanet 167848, MedGen C0878544, MONDO:0004994, HP:0001638. Inheritance: Various modes of inheritance.
Arrhythmogenic right ventricular dysplasia 8 (ARVD8). Also called: Arrhythmogenic Right Ventricular Dysplasia/Cardiomyopathy 8; ARRHYTHMOGENIC RIGHT VENTRICULAR DYSPLASIA, FAMILIAL, 8; ARRHYTHMOGENIC RIGHT VENTRICULAR CARDIOMYOPATHY 8. Identifiers: MedGen C1843896, MONDO:0011831, OMIM 607450.
Arrhythmogenic cardiomyopathy with wooly hair and keratoderma. Also called: PALMOPLANTAR KERATODERMA WITH LEFT VENTRICULAR CARDIOMYOPATHY AND WOOLLY HAIR; Dilated cardiomyopathy with woolly hair and keratoderma; Arrhythmogenic cardiomyopathy with woolly hair and keratoderma; Carvajal syndrome. Identifiers: Orphanet 65282, MedGen C1854063, MONDO:0011581, OMIM 605676.

gnomAD v4.1: 2 of 1,613,962 alleles (0.00012%); highest among the groups gnomAD compares: East Asian, 0.0022%; no homozygotes.

Submissions (3):

Labcorp Genetics (formerly Invitae), Labcorp
Classification: Uncertain significance for Arrhythmogenic cardiomyopathy with wooly hair and keratoderma; Arrhythmogenic right ventricular dysplasia 8. Last evaluated: 2025-02-11. Review status: criteria provided, single submitter. Criteria: Invitae Variant Classification Sherloc (09022015). Collection method: clinical testing. Allele origin: germline.
Comment: This sequence change replaces arginine, which is basic and polar, with leucine, which is neutral and non-polar, at codon 1341 of the DSP protein (p.Arg1341Leu). This variant is not present in population databases (gnomAD no frequency). This variant has not been reported in the literature in individuals affected with DSP-related conditions. ClinVar contains an entry for this variant (Variation ID: 2775303). An algorithm developed to predict the effect of missense changes on protein structure and function (PolyPhen-2) suggests that this variant is likely to be tolerated. In summary, the available evidence is currently insufficient to determine the role of this variant in disease. Therefore, it has been classified as a Variant of Uncertain Significance.

All of Us Research Program, National Institutes of Health
Classification: Uncertain significance for Arrhythmogenic cardiomyopathy with wooly hair and keratoderma. Last evaluated: 2023-12-01. Review status: criteria provided, single submitter. Criteria: ACMG Guidelines, 2015. Collection method: clinical testing. Allele origin: germline. Inheritance: Autosomal dominant inheritance. Observed: 2 variant alleles, 2 heterozygotes.
Comment: This study involves interpretation of variants in research participants for the purpose of population health screening. Participant phenotype was not available at the time of variant classification. Additional details can be found in publication PMID: 35346344, PMCID: PMC8962531

Color Diagnostics, LLC DBA Color Health
Classification: Uncertain significance for Cardiomyopathy. Last evaluated: 2022-03-17. Review status: criteria provided, single submitter. Criteria: ACMG Guidelines, 2015. Collection method: clinical testing. Allele origin: germline.
Comment: This missense variant replaces arginine with leucine at codon 1341 of the DSP protein. Computational prediction is inconclusive regarding the impact of this variant on protein structure and function (internally defined REVEL score threshold 0.5 < inconclusive < 0.7, PMID: 27666373). To our knowledge, functional studies have not been reported for this variant. This variant has not been reported in individuals affected with cardiovascular disorders in the literature. This variant has not been identified in the general population by the Genome Aggregation Database (gnomAD). The available evidence is insufficient to determine the role of this variant in disease conclusively. Therefore, this variant is classified as a Variant of Uncertain Significance.